The following is an entry in ClinVar:

ClinVar aggregate classification (germline): Uncertain significance (1 of 4 stars; one submission).

Conditions:
Hereditary cancer-predisposing syndrome. Also called: Neoplastic Syndromes, Hereditary; Hereditary neoplastic syndrome; Tumor predisposition; Hereditary Cancer Syndrome. Identifiers: Orphanet 140162, MedGen C0027672, MeSH D009386, MONDO:0015356.

Submission:

Ambry Genetics
Classification: Uncertain significance for Hereditary cancer-predisposing syndrome. Last evaluated: 2026-02-27. Review status: criteria provided, single submitter. Criteria: Ambry Variant Classification Scheme 2023. Collection method: clinical testing. Allele origin: germline.
Comment: The c.68_70dupACC variant (also known as p.H23dup), located in coding exon 1 of the CDKN1B gene, results from an in-frame duplication of ACC at nucleotide positions 68 to 70. This results in the duplication of an extra residue (H) between codons 23 and 24. This amino acid position is poorly conserved in available vertebrate species. In addition, the in silico prediction for this variant is inconclusive (Choi Y et al. PLoS ONE. 2012; 7(10):e46688). Based on the available evidence, the clinical significance of this variant remains unclear.

NM_004064.5(CDKN1B):c.68_70dup (p.His23_Pro24insHis)

Gene: CDKN1B (cyclin dependent kinase inhibitor 1B; plus strand). Cytogenetic location: 12p13.1.
Variant type: Duplication.
Coding change: c.68_70dup on transcript NM_004064.5 (MANE Select); coding-DNA positions 68 to 70, 3 bases duplicated (ACC; older notation c.68_70dupACC).
Protein change: p.His23_Pro24insHis.
Genome position (GRCh38, 1-based): chr12:12,717,907-12,717,909, ACC duplicated; duplicating any 3 consecutive bases within chr12:12,717,906-12,717,909 gives the same sequence; the c. name uses the placement nearest the transcript's 3' end. VCF-style (leftmost placement, unchanged base first): chr12-12717905-G-GCAC. GRCh37 (hg19) VCF-style: chr12-12870839-G-GCAC.
Identifiers: ClinVar variation 4824228 (VCV004824228.1).